The following is an entry in ClinVar:

NM_207421.4(PADI6):c.999G>A (p.Thr333=)

Gene: PADI6 (peptidyl arginine deiminase 6; plus strand). Cytogenetic location: 1p36.13.
Variant type: single nucleotide variant.
Coding change: c.999G>A on transcript NM_207421.4 (MANE Select); coding-DNA position 999, G replaced by A.
Protein change: p.Thr333=; no amino-acid change (threonine 333 retained).
Molecular consequence: synonymous variant.
Genome position (GRCh38, 1-based): chr1:17,392,150, G>A. VCF-style: chr1-17392150-G-A. GRCh37 (hg19) VCF-style: chr1-17718645-G-A.
Identifiers: ClinVar variation 3030468 (VCV003030468.2), dbSNP rs369227850, ClinGen allele CA18646025.

ClinVar aggregate classification (germline): Likely benign (0 of 4 stars; one submission).

Conditions:
PADI6-related disorder. Also called: PADI6-related condition.

Allele frequency attached by ClinVar (database versions not stated): TOPMed 0.00002; gnomAD 0.00005; ESP Exome Variant Server 0.00008; ExAC 0.00013; 1000 Genomes Project 30x 0.00016.
gnomAD v4.1: 40 of 1,561,200 alleles (0.0026%); highest among the groups gnomAD compares: African/African-American, 0.012%; no homozygotes.

Submission:

PreventionGenetics, part of Exact Sciences
Classification: Likely benign for PADI6-related condition. Last evaluated: 2021-12-29. Review status: no assertion criteria provided. Collection method: clinical testing. Allele origin: germline.
Comment: This variant is classified as likely benign based on ACMG/AMP sequence variant interpretation guidelines (Richards et al. 2015 PMID: 25741868, with internal and published modifications).